The following is an entry in ClinVar:

NM_000038.6(APC):c.6994G>C (p.Gly2332Arg)

Gene: APC (APC regulator of Wnt signaling pathway; plus strand). Cytogenetic location: 5q22.2.
Variant type: single nucleotide variant.
Coding change: c.6994G>C on transcript NM_000038.6 (MANE Select); coding-DNA position 6994, G replaced by C.
Protein change: p.Gly2332Arg; replaces glycine 2332 with arginine.
Molecular consequence: missense variant.
Genome position (GRCh38, 1-based): chr5:112,842,588, G>C. VCF-style: chr5-112842588-G-C. GRCh37 (hg19) VCF-style: chr5-112178285-G-C.
Other names: c.6994G>C, p.Gly2332Arg (NM_001127510.3, NM_001354895.2); c.6940G>C, p.Gly2314Arg (NM_001127511.3); c.7048G>C, p.Gly2350Arg (NM_001354896.2); c.7024G>C, p.Gly2342Arg (NM_001354897.2); c.6919G>C, p.Gly2307Arg (NM_001354898.2); c.6910G>C, p.Gly2304Arg (NM_001354899.2); c.6871G>C, p.Gly2291Arg (NM_001354900.2); c.6817G>C, p.Gly2273Arg (NM_001354901.2); and 5 more; short protein forms G2314R, G2332R, G2231R, G2172R, G2206R, G2273R, G2307R, G2304R.
Identifiers: ClinVar variation 470071 (VCV000470071.17), dbSNP rs1389311736, ClinGen allele CA16036577.

ClinVar aggregate classification (germline): Uncertain significance. Review status: criteria provided, multiple submitters, no conflicts (2 of 4 stars). 4 submissions from 4 submitters: Uncertain significance (4). Last evaluated 2026-04-03.

Conditions:
Hereditary cancer-predisposing syndrome. Also called: Tumor predisposition; Hereditary neoplastic syndrome; Neoplastic Syndromes, Hereditary; Hereditary Cancer Syndrome. Identifiers: Orphanet 140162, MedGen C0027672, MeSH D009386, MONDO:0015356.
Familial adenomatous polyposis 1 (FAP1). Also called: POLYPOSIS, ADENOMATOUS INTESTINAL; FAMILIAL ADENOMATOUS POLYPOSIS 1, ATTENUATED. Identifiers: MedGen C2713442, MONDO:0021056, OMIM 175100. Disease mechanism: loss of function.

Allele frequency attached by ClinVar (database versions not stated): TOPMed below 0.00001; gnomAD 0.00001.
gnomAD v4.1: 1 of 1,613,452 alleles (0.000062%); highest among the groups gnomAD compares: African/African-American, 0.0013%; no homozygotes.

Submissions (4):

Ambry Genetics
Classification: Uncertain significance for Hereditary cancer-predisposing syndrome. Last evaluated: 2026-04-03. Review status: criteria provided, single submitter. Criteria: Ambry Variant Classification Scheme 2023. Collection method: clinical testing. Allele origin: germline.
Comment: The p.G2332R variant (also known as c.6994G>C), located in coding exon 15 of the APC gene, results from a G to C substitution at nucleotide position 6994. The glycine at codon 2332 is replaced by arginine, an amino acid with dissimilar properties. This amino acid position is well conserved in available vertebrate species. In addition, in silico predictors for this gene do not accurately predict pathogenicity. Missense variants in APC are not a common cause of disease (Spier I et al. Genet Med. 2024 Feb;26(2):100992). Based on the available evidence, the clinical significance of this variant remains unclear.

Baylor Genetics
Classification: Uncertain significance for Familial adenomatous polyposis 1. Last evaluated: 2023-10-23. Review status: criteria provided, single submitter. Criteria: ACMG Guidelines, 2015. Collection method: clinical testing. Allele origin: unknown.

GeneDx
Classification: Uncertain significance. Last evaluated: 2022-10-26. Review status: criteria provided, single submitter. Criteria: GeneDx Variant Classification Process June 2021. Collection method: clinical testing. Allele origin: germline. Affected: yes.
Comment: Not observed at significant frequency in large population cohorts (gnomAD); In silico analysis supports that this missense variant does not alter protein structure/function; Has not been previously published as pathogenic or benign to our knowledge; This variant is associated with the following publications: (PMID: 18199528)

Labcorp Genetics (formerly Invitae), Labcorp
Classification: Uncertain significance for Familial adenomatous polyposis 1. Last evaluated: 2022-05-02. Review status: criteria provided, single submitter. Criteria: Invitae Variant Classification Sherloc (09022015). Collection method: clinical testing. Allele origin: germline.
Comment: In summary, the available evidence is currently insufficient to determine the role of this variant in disease. Therefore, it has been classified as a Variant of Uncertain Significance. Algorithms developed to predict the effect of missense changes on protein structure and function are either unavailable or do not agree on the potential impact of this missense change (SIFT: "Deleterious"; PolyPhen-2: "Probably Damaging"; Align-GVGD: "Class C0"). ClinVar contains an entry for this variant (Variation ID: 470071). This variant has not been reported in the literature in individuals affected with APC-related conditions. This variant is not present in population databases (gnomAD no frequency). This sequence change replaces glycine, which is neutral and non-polar, with arginine, which is basic and polar, at codon 2332 of the APC protein (p.Gly2332Arg).